The following is an entry in ClinVar:

NM_001292063.2(OTOG):c.6908G>A (p.Arg2303His)

Gene: OTOG (otogelin; plus strand). Cytogenetic location: 11p15.1.
Variant type: single nucleotide variant.
Coding change: c.6908G>A on transcript NM_001292063.2 (MANE Select); coding-DNA position 6908, G replaced by A.
Protein change: p.Arg2303His; replaces arginine 2303 with histidine.
Molecular consequence: missense variant.
Genome position (GRCh38, 1-based): chr11:17,631,897, G>A. VCF-style: chr11-17631897-G-A. GRCh37 (hg19) VCF-style: chr11-17653444-G-A.
Other names: c.6944G>A, p.Arg2315His (NM_001277269.2); short protein forms R2303H, R2315H.
Identifiers: ClinVar variation 1695513 (VCV001695513.2), dbSNP rs1373360779, ClinGen allele CA379809968.

ClinVar aggregate classification (germline): Uncertain significance (1 of 4 stars; one submission).

Allele frequency attached by ClinVar (database versions not stated): gnomAD 0.00001; gnomAD exomes 0.00001.
gnomAD v4.1: 18 of 1,549,964 alleles (0.0012%); highest among the groups gnomAD compares: African/African-American, 0.0041%; no homozygotes.

Submission:

GeneDx
Classification: Uncertain significance. Last evaluated: 2022-06-10. Review status: criteria provided, single submitter. Criteria: GeneDx Variant Classification Process June 2021. Collection method: clinical testing. Allele origin: germline. Affected: yes.
Comment: Not observed at significant frequency in large population cohorts (gnomAD); In silico analysis supports that this missense variant does not alter protein structure/function; Has not been previously published as pathogenic or benign to our knowledge